The following is an entry in ClinVar:

NM_005546.4(ITK):c.*153A>C

Gene: ITK (IL2 inducible T cell kinase; plus strand). Cytogenetic location: 5q33.3.
Variant type: single nucleotide variant.
Coding change: c.*153A>C on transcript NM_005546.4 (MANE Select); 153 bases downstream of the stop codon, A replaced by C.
Molecular consequence: 3 prime UTR variant.
Genome position (GRCh38, 1-based): chr5:157,252,831, A>C. VCF-style: chr5-157252831-A-C. GRCh37 (hg19) VCF-style: chr5-156679841-A-C.
Identifiers: ClinVar variation 352480 (VCV000352480.5), dbSNP rs2229736, ClinGen allele CA10621070.

ClinVar aggregate classification (germline): Benign (1 of 4 stars; one submission).

Conditions:
Lymphoproliferative syndrome 1 (LPFS1). Identifiers: Orphanet 238505, Orphanet 538963, MedGen C3552634, MONDO:0013081, OMIM 613011.

Allele frequency attached by ClinVar (database versions not stated): gnomAD exomes 0.00170; 1000 Genomes Project 0.01258; gnomAD 0.01296 and 0.01410; 1000 Genomes Project 30x 0.01312; TOPMed 0.01580.
gnomAD v4.1: 2,965 of 694,784 alleles (0.43%); highest among the groups gnomAD compares: African/African-American, 4.4%; 72 homozygotes.

Submission:

Illumina Laboratory Services, Illumina
Classification: Benign for Lymphoproliferative syndrome 1. Last evaluated: 2018-01-12. Review status: criteria provided, single submitter. Criteria: ICSL Variant Classification Criteria 13 December 2019. Collection method: clinical testing. Allele origin: germline.
Comment: This variant was observed in the ICSL laboratory as part of a predisposition screen in an ostensibly healthy population. It had not been previously curated by ICSL or reported in the Human Gene Mutation Database (HGMD: prior to June 1st, 2018), and was therefore a candidate for classification through an automated scoring system. Utilizing variant allele frequency, disease prevalence and penetrance estimates, and inheritance mode, an automated score was calculated to assess if this variant is too frequent to cause the disease. Based on the score and internal cut-off values, a variant classified as benign is not then subjected to further curation. The score for this variant resulted in a classification of benign for this disease.